The following is an entry in ClinVar:

NM_002473.6(MYH9):c.2557_2558delinsCT (p.Glu853Leu)

Gene: MYH9 (myosin heavy chain 9; minus strand). Cytogenetic location: 22q12.3.
Variant type: Indel.
Coding change: c.2557_2558delinsCT on transcript NM_002473.6 (MANE Select); coding-DNA positions 2557 to 2558, GA replaced by CT.
Protein change: p.Glu853Leu; replaces glutamic acid 853 with leucine.
Molecular consequence: missense variant.
Genome position (GRCh38, 1-based): chr22:36,301,607-36,301,608, TC replaced by AG on the plus strand (GA replaced by CT on the coding strand, the reverse complement: MYH9 is on the minus strand). VCF-style: chr22-36301607-TC-AG. GRCh37 (hg19) VCF-style: chr22-36697653-TC-AG.
Other names: short protein forms E853L.
Identifiers: ClinVar variation 1307255 (VCV001307255.2), dbSNP rs2146344272, ClinGen allele CA2573055003.

ClinVar aggregate classification (germline): Uncertain significance (1 of 4 stars; one submission).

Submission:

GeneDx
Classification: Uncertain significance. Last evaluated: 2019-07-29. Review status: criteria provided, single submitter. Criteria: GeneDx Variant Classification Process June 2021. Collection method: clinical testing. Allele origin: germline. Affected: yes.
Comment: Not observed in large population cohorts (Lek et al., 2016); In silico analysis, which includes protein predictors and evolutionary conservation, supports a deleterious effect; Has not been previously published as pathogenic or benign to our knowledge